The following is an entry in ClinVar:

NM_017514.5(PLXNA3):c.4656C>T (p.Ile1552=)

Gene: PLXNA3 (plexin A3; plus strand). Cytogenetic location: Xq28.
Variant type: single nucleotide variant.
Coding change: c.4656C>T on transcript NM_017514.5 (MANE Select); coding-DNA position 4656, C replaced by T.
Protein change: p.Ile1552=; no amino-acid change (isoleucine 1552 retained).
Molecular consequence: synonymous variant.
Genome position (GRCh38, 1-based): chrX:154,469,440, C>T. VCF-style: chrX-154469440-C-T. GRCh37 (hg19) VCF-style: chrX-153697783-C-T.
Identifiers: ClinVar variation 3352115 (VCV003352115.1).

ClinVar aggregate classification (germline): Likely benign (0 of 4 stars; one submission).

Conditions:
PLXNA3-related disorder. Also called: PLXNA3-related condition.

gnomAD v4.1: 13 of 1,208,038 alleles (0.0011%); highest among the groups gnomAD compares: African/African-American, 0.01%; no homozygotes.

Submission:

PreventionGenetics, part of Exact Sciences
Classification: Likely benign for PLXNA3-related condition. Last evaluated: 2022-11-21. Review status: no assertion criteria provided. Collection method: clinical testing. Allele origin: germline.
Comment: This variant is classified as likely benign based on ACMG/AMP sequence variant interpretation guidelines (Richards et al. 2015 PMID: 25741868, with internal and published modifications).